The following is an entry in ClinVar:

NM_025114.4(CEP290):c.942+3A>T

Gene: CEP290 (centrosomal protein 290; minus strand). Cytogenetic location: 12q21.32.
Variant type: single nucleotide variant.
Coding change: c.942+3A>T on transcript NM_025114.4 (MANE Select); 3 bases into the intron after coding-DNA position 942, A replaced by T.
Molecular consequence: intron variant.
Genome position (GRCh38, 1-based): chr12:88,128,943, T>A on the plus strand (A>T on the coding strand, the complement: CEP290 is on the minus strand). VCF-style: chr12-88128943-T-A. GRCh37 (hg19) VCF-style: chr12-88522720-T-A.
Identifiers: ClinVar variation 5000242 (VCV005000242.1).

ClinVar aggregate classification (germline): Uncertain significance (1 of 4 stars; one submission).

Conditions:
CEP290-related disorder. Also called: CEP290-related condition; CEP290-related disorders. Identifiers: MedGen CN239314.

gnomAD v4.1: 4 of 1,492,532 alleles (0.00027%); highest among the groups gnomAD compares: Non-Finnish European, 0.00035%; no homozygotes.

Submission:

PreventionGenetics, part of Exact Sciences
Classification: Uncertain significance for CEP290-related condition. Last evaluated: 2026-05-18. Review status: criteria provided, single submitter. Criteria: ACMG Guidelines, 2015. Collection method: clinical testing. Allele origin: germline.
Comment: The CEP290 c.942+3A>T variant is predicted to interfere with splicing. This variant is predicted to alter splicing based on available splicing prediction programs (SpliceAI, Jaganathan et al. 2019. PubMed ID: 30661751). However, the use of computer prediction programs is not equivalent to functional evidence. To our knowledge, this variant has not been reported in the literature or in a large population database, indicating this variant is rare. At this time, the clinical significance of this variant is uncertain due to the absence of conclusive functional and genetic evidence.